The following is an entry in ClinVar:

NM_000135.4(FANCA):c.2482G>A (p.Asp828Asn)

Gene: FANCA (FA complementation group A; minus strand). Cytogenetic location: 16q24.3.
Variant type: single nucleotide variant.
Coding change: c.2482G>A on transcript NM_000135.4 (MANE Select); coding-DNA position 2482, G replaced by A.
Protein change: p.Asp828Asn; replaces aspartic acid 828 with asparagine.
Molecular consequence: missense variant.
Genome position (GRCh38, 1-based): chr16:89,769,859, C>T on the plus strand (G>A on the coding strand, the complement: FANCA is on the minus strand). VCF-style: chr16-89769859-C-T. GRCh37 (hg19) VCF-style: chr16-89836267-C-T.
Other names: c.2482G>A, p.Asp828Asn (NM_001286167.3); short protein forms D828N.
Identifiers: ClinVar variation 4619169 (VCV004619169.1).

ClinVar aggregate classification (germline): Uncertain significance (1 of 4 stars; one submission).

Conditions:
Inborn genetic diseases. Identifiers: MedGen C0950123, MeSH D030342.

gnomAD v4.1: 2 of 1,614,096 alleles (0.00012%); highest among the groups gnomAD compares: South Asian, 0.0022%; no homozygotes.

Submission:

Ambry Genetics
Classification: Uncertain significance for Inborn genetic diseases. Last evaluated: 2025-09-27. Review status: criteria provided, single submitter. Criteria: Ambry Variant Classification Scheme 2023. Collection method: clinical testing. Allele origin: germline.
Comment: The p.D828N variant (also known as c.2482G>A), located in coding exon 26 of the FANCA gene, results from a G to A substitution at nucleotide position 2482. The aspartic acid at codon 828 is replaced by asparagine, an amino acid with highly similar properties. This amino acid position is conserved. In addition, this alteration is predicted to be tolerated by in silico analysis. Based on the available evidence, the clinical significance of this variant remains unclear.